The following is an entry in ClinVar:

NM_005228.5(EGFR):c.2184+8C>G

Gene: EGFR (epidermal growth factor receptor; plus strand). Cytogenetic location: 7p11.2.
Variant type: single nucleotide variant.
Coding change: c.2184+8C>G on transcript NM_005228.5 (MANE Select); 8 bases into the intron after coding-DNA position 2184, C replaced by G.
Molecular consequence: intron variant.
Genome position (GRCh38, 1-based): chr7:55,174,051, C>G. VCF-style: chr7-55174051-C-G. GRCh37 (hg19) VCF-style: chr7-55241744-C-G.
Other names: c.2049+8C>G (NM_001346899.2, NM_001346897.2); c.1383+8C>G (NM_001346941.2); c.2184+8C>G (NM_001346898.2); c.2025+8C>G (NM_001346900.2).
Identifiers: ClinVar variation 1608561 (VCV001608561.9), dbSNP rs1322299139, ClinGen allele CA574335304.

ClinVar aggregate classification (germline): Likely benign. Review status: criteria provided, multiple submitters, no conflicts (2 of 4 stars). 2 submissions from 2 submitters: Likely benign (2). Last evaluated 2024-10-16.

Conditions:
Lung cancer. Also called: Malignant tumor of lung; Lung cancer, somatic. Identifiers: MedGen C0242379, MONDO:0008903, OMIM 211980.
EGFR-related lung cancer (EGFR). Identifiers: MedGen CN130014.

Allele frequency attached by ClinVar (database versions not stated): TOPMed below 0.00001.
gnomAD v4.1: 23 of 1,614,162 alleles (0.0014%); highest among the groups gnomAD compares: Non-Finnish European, 0.0019%; no homozygotes.

Submissions (2):

Myriad Genetics, Inc.
Classification: Likely benign for Lung cancer. Last evaluated: 2024-10-16. Review status: criteria provided, single submitter. Criteria: Myriad Autosomal Dominant, Autosomal Recessive and X-Linked Classification Criteria (2023). Collection method: clinical testing. Allele origin: unknown.
Comment: This variant is considered likely benign. This variant is intronic and is not expected to impact mRNA splicing.

Labcorp Genetics (formerly Invitae), Labcorp
Classification: Likely benign for EGFR-related lung cancer. Last evaluated: 2022-08-23. Review status: criteria provided, single submitter. Criteria: Invitae Variant Classification Sherloc (09022015). Collection method: clinical testing. Allele origin: germline.